The following is an entry in ClinVar:

NM_000179.3(MSH6):c.2598_2602del (p.Lys866fs)

Gene: MSH6 (mutS homolog 6; plus strand). Cytogenetic location: 2p16.3.
Variant type: Deletion.
Coding change: c.2598_2602del on transcript NM_000179.3 (MANE Select); coding-DNA positions 2598 to 2602, 5 bases deleted (AGTAA; older notation c.2598_2602delAGTAA).
Protein change: p.Lys866fs; shifts the reading frame from lysine 866.
Molecular consequence: frameshift variant.
Genome position (GRCh38, 1-based): chr2:47,800,581-47,800,585, AGTAA deleted; deleting any 5 consecutive bases within chr2:47,800,579-47,800,585 gives the same sequence; the c. name uses the placement nearest the transcript's 3' end. VCF-style (leftmost placement, unchanged base first): chr2-47800578-CAAAGT-C. GRCh37 (hg19) VCF-style: chr2-48027717-CAAAGT-C.
Other names: c.2208_2212del, p.Lys736fs (NM_001281492.2); c.1692_1696del, p.Lys564fs (NM_001281493.2, NM_001281494.2); c.2694_2698delAGTAA, p.Lys898Asnfs (NM_001406795.1, NM_001406802.1); c.2598_2602delAGTAA, p.Lys866Asnfs (NM_001406796.1, NM_001406798.1, NM_001406800.1 and 2 more transcripts); c.2301_2305delAGTAA, p.Lys767Asnfs (NM_001406797.1, NM_001406801.1, NM_001406805.1 and 10 more transcripts); c.2073_2077delAGTAA, p.Lys691Asnfs (NM_001406799.1, NM_001406806.1, NM_001406807.1); c.2520_2524delAGTAA, p.Lys840Asnfs (NM_001406804.1); c.1692_1696delAGTAA, p.Lys564Asnfs (NM_001406811.1, NM_001406812.1, NM_001406814.1 and 4 more transcripts); and 2 more; short protein forms K736fs, K564fs, K866fs.
Identifiers: ClinVar variation 1793582 (VCV001793582.2), dbSNP rs2530681883, ClinGen allele CA2580067957.

ClinVar aggregate classification (germline): Pathogenic (1 of 4 stars; one submission).

Conditions:
Hereditary cancer-predisposing syndrome. Also called: Tumor predisposition; Hereditary Cancer Syndrome; Neoplastic Syndromes, Hereditary; Hereditary neoplastic syndrome. Identifiers: Orphanet 140162, MedGen C0027672, MeSH D009386, MONDO:0015356.

Submission:

Ambry Genetics
Classification: Pathogenic for Hereditary cancer-predisposing syndrome. Last evaluated: 2021-03-12. Review status: criteria provided, single submitter. Criteria: Ambry Variant Classification Scheme 2023. Collection method: clinical testing. Allele origin: germline.
Comment: The c.2598_2602delAGTAA pathogenic mutation, located in coding exon 4 of the MSH6 gene, results from a deletion of 5 nucleotides at nucleotide positions 2598 to 2602, causing a translational frameshift with a predicted alternate stop codon (p.K866Nfs*3). In addition to the clinical data presented in the literature, this alteration is expected to result in loss of function by premature protein truncation or nonsense-mediated mRNA decay. As such, this alteration is interpreted as a disease-causing mutation.

Literature cited by the submitters: PubMed 31307542.